The following is an entry in ClinVar:

ClinVar aggregate classification (germline): Uncertain significance. Review status: criteria provided, multiple submitters, no conflicts (2 of 4 stars). 2 submissions from 2 submitters: Uncertain significance (2). Last evaluated 2025-08-13.

Conditions:
Inborn genetic diseases. Identifiers: MedGen C0950123, MeSH D030342.

Allele frequency attached by ClinVar (database versions not stated): gnomAD exomes below 0.00001; ExAC 0.00001; gnomAD 0.00001; TOPMed 0.00003.
gnomAD v4.1: 6 of 1,614,084 alleles (0.00037%); highest among the groups gnomAD compares: African/African-American, 0.0067%; no homozygotes.

Submissions (2):

Ambry Genetics
Classification: Uncertain significance for Inborn genetic diseases. Last evaluated: 2025-08-13. Review status: criteria provided, single submitter. Criteria: Ambry Variant Classification Scheme 2023. Collection method: clinical testing. Allele origin: germline.

Labcorp Genetics (formerly Invitae), Labcorp
Classification: Uncertain significance. Last evaluated: 2023-04-09. Review status: criteria provided, single submitter. Criteria: Invitae Variant Classification Sherloc (09022015). Collection method: clinical testing. Allele origin: germline.
Comment: In summary, the available evidence is currently insufficient to determine the role of this variant in disease. Therefore, it has been classified as a Variant of Uncertain Significance. Algorithms developed to predict the effect of sequence changes on RNA splicing suggest that this variant may disrupt the consensus splice site. An algorithm developed to predict the effect of missense changes on protein structure and function (PolyPhen-2) suggests that this variant is likely to be disruptive. This variant has not been reported in the literature in individuals affected with RIPK1-related conditions. This variant is present in population databases (rs770188054, gnomAD 0.008%). This sequence change replaces lysine, which is basic and polar, with arginine, which is basic and polar, at codon 137 of the RIPK1 protein (p.Lys137Arg).

NM_001354930.2(RIPK1):c.410A>G (p.Lys137Arg)

Gene: RIPK1 (receptor interacting serine/threonine kinase 1; plus strand). Cytogenetic location: 6p25.2.
Variant type: single nucleotide variant.
Coding change: c.410A>G on transcript NM_001354930.2 (MANE Select); coding-DNA position 410, A replaced by G.
Protein change: p.Lys137Arg; replaces lysine 137 with arginine.
Molecular consequence: missense variant. On other transcripts: 5 prime UTR variant (4), intron variant (1).
Genome position (GRCh38, 1-based): chr6:3,081,067, A>G. VCF-style: chr6-3081067-A-G. GRCh37 (hg19) VCF-style: chr6-3081301-A-G.
Other names: c.410A>G (NM_003804.3); c.-194A>G (NM_001317061.3, NM_001354932.2, NM_001354933.2 and 1 more transcripts); c.410A>G, p.Lys137Arg (NM_003804.6); c.322-2018A>G (NM_001354931.2); short protein forms K137R.
Identifiers: ClinVar variation 3000225 (VCV003000225.4), dbSNP rs770188054, ClinGen allele CA3618176.